The following is an entry in ClinVar:

NM_020937.4(FANCM):c.4228C>A (p.Gln1410Lys)

Gene: FANCM (FA complementation group M; plus strand). Cytogenetic location: 14q21.2.
Variant type: single nucleotide variant.
Coding change: c.4228C>A on transcript NM_020937.4 (MANE Select); coding-DNA position 4228, C replaced by A.
Protein change: p.Gln1410Lys; replaces glutamine 1410 with lysine.
Molecular consequence: missense variant.
Genome position (GRCh38, 1-based): chr14:45,181,435, C>A. VCF-style: chr14-45181435-C-A. GRCh37 (hg19) VCF-style: chr14-45650638-C-A.
Other names: c.4150C>A, p.Gln1384Lys (NM_001308133.2); short protein forms Q1410K, Q1384K.
Identifiers: ClinVar variation 5021494 (VCV005021494.1).
Genomic context (GRCh38, chr14:45,181,435, plus strand): 5'-GATTGGGTAAACCTAAATCTATTAACCATTCATTATTTTAAAAAATAAATTATAGATGGA[C>A]AATTATTAACAAGTAACGAAAGTGAAGATGACGAGATTTTCCGAAGAAAAGTTAAAAGAG-3'
Protein context (NP_065988.1, residues 1400-1420): HKSCHSVEDG[Gln1410Lys]LLTSNESEDD

ClinVar aggregate classification (germline): Uncertain significance (1 of 4 stars; one submission).

Conditions:
Inborn genetic diseases. Identifiers: MedGen C0950123, MeSH D030342.

gnomAD v4.1: 6 of 1,543,316 alleles (0.00039%); highest among the groups gnomAD compares: South Asian, 0.0011%; no homozygotes.

Submission:

Ambry Genetics
Classification: Uncertain significance for Inborn genetic diseases. Last evaluated: 2026-08-12. Review status: criteria provided, single submitter. Criteria: Ambry Variant Classification Scheme 2023. Collection method: clinical testing. Allele origin: germline.
Comment: The p.Q1410K variant (also known as c.4228C>A), located in coding exon 15 of the FANCM gene, results from a C to A substitution at nucleotide position 4228. The glutamine at codon 1410 is replaced by lysine, an amino acid with similar properties. This amino acid position is conserved. In addition, this alteration is predicted to be tolerated by in silico analysis. Based on the available evidence, the clinical significance of this variant remains unclear.